The following is an entry in ClinVar:

ClinVar aggregate classification (germline): Uncertain significance. Review status: criteria provided, multiple submitters, no conflicts (2 of 4 stars). 3 submissions from 3 submitters: Uncertain significance (3). Last evaluated 2026-01-31.

Conditions:
Charcot-Marie-Tooth disease axonal type 2O. Also called: Charcot-Marie-Tooth disease, axonal, type 20; CHARCOT-MARIE-TOOTH NEUROPATHY, AXONAL, TYPE 2O; CHARCOT-MARIE-TOOTH DISEASE, AXONAL, AUTOSOMAL DOMINANT, TYPE 2O; Charcot-Marie-Tooth Neuropathy Type 2O. Identifiers: Orphanet 284232, MedGen C3280220, MONDO:0013644, OMIM 614228.

Submissions (3):

GeneDx
Classification: Uncertain significance. Last evaluated: 2026-01-31. Review status: criteria provided, single submitter. Criteria: GeneDx Variant Classification Process June 2021. Collection method: clinical testing. Allele origin: germline.
Comment: Not observed at significant frequency in large population cohorts (gnomAD); In silico analysis supports that this missense variant has a deleterious effect on protein structure/function; Has not been previously published as pathogenic or benign to our knowledge; This variant is associated with the following publications: (PMID: 25512093, 25609763, 26100331)

Labcorp Genetics (formerly Invitae), Labcorp
Classification: Uncertain significance for Charcot-Marie-Tooth disease axonal type 2O. Last evaluated: 2024-10-15. Review status: criteria provided, single submitter. Criteria: Invitae Variant Classification Sherloc (09022015). Collection method: clinical testing. Allele origin: germline.
Comment: This sequence change replaces serine, which is neutral and polar, with leucine, which is neutral and non-polar, at codon 2357 of the DYNC1H1 protein (p.Ser2357Leu). This variant is not present in population databases (gnomAD no frequency). This missense change has been observed in individual(s) with clinical features of DYNC1H1-related conditions (internal data). ClinVar contains an entry for this variant (Variation ID: 2138876). Invitae Evidence Modeling of protein sequence and biophysical properties (such as structural, functional, and spatial information, amino acid conservation, physicochemical variation, residue mobility, and thermodynamic stability) indicates that this missense variant is expected to disrupt DYNC1H1 protein function with a positive predictive value of 95%. In summary, the available evidence is currently insufficient to determine the role of this variant in disease. Therefore, it has been classified as a Variant of Uncertain Significance.

CeGaT Center for Human Genetics Tuebingen
Classification: Uncertain significance. Last evaluated: 2024-02-01. Review status: criteria provided, single submitter. Criteria: CeGaT Center For Human Genetics Tuebingen Variant Classification Criteria Version 2. Collection method: clinical testing. Allele origin: germline. Affected: yes. Observed: 2 variant alleles.
Comment: DYNC1H1: PM2, PP2, PP3

NM_001376.5(DYNC1H1):c.7070C>T (p.Ser2357Leu)

Gene: DYNC1H1 (dynein cytoplasmic 1 heavy chain 1; plus strand). Cytogenetic location: 14q32.31.
Variant type: single nucleotide variant.
Coding change: c.7070C>T on transcript NM_001376.5 (MANE Select); coding-DNA position 7070, C replaced by T.
Protein change: p.Ser2357Leu; replaces serine 2357 with leucine.
Molecular consequence: missense variant.
Genome position (GRCh38, 1-based): chr14:102,015,160, C>T. VCF-style: chr14-102015160-C-T. GRCh37 (hg19) VCF-style: chr14-102481497-C-T.
Other names: short protein forms S2357L.
Identifiers: ClinVar variation 2138876 (VCV002138876.29), dbSNP rs2503765056, ClinGen allele CA391059895.